The following is an entry in ClinVar:

ClinVar aggregate classification (germline): Likely benign. Review status: criteria provided, multiple submitters, no conflicts (2 of 4 stars). 3 submissions from 3 submitters: Likely benign (3). Last evaluated 2023-01-01.

Allele frequency attached by ClinVar (database versions not stated): 1000 Genomes Project 0.00160; 1000 Genomes Project 30x 0.00187; gnomAD 0.00503 and 0.00513; TOPMed 0.00535; ESP Exome Variant Server 0.00554.
gnomAD v4.1: 12,668 of 1,613,220 alleles (0.79%); highest among the groups gnomAD compares: Non-Finnish European, 0.99%; 56 homozygotes.

Submissions (3):

CeGaT Center for Human Genetics Tuebingen
Classification: Likely benign. Last evaluated: 2023-01-01. Review status: criteria provided, single submitter. Criteria: CeGaT Center For Human Genetics Tuebingen Variant Classification Criteria Version 2. Collection method: clinical testing. Allele origin: germline. Affected: yes. Observed: 1 variant allele.
Comment: TLN2: BP4, BS2

Labcorp Genetics (formerly Invitae), Labcorp
Classification: Likely benign. Last evaluated: 2019-12-31. Review status: criteria provided, single submitter. Criteria: Invitae Variant Classification Sherloc (09022015). Collection method: clinical testing. Allele origin: germline.

Breakthrough Genomics
Classification: Likely benign. Review status: criteria provided, single submitter. Criteria: ACMG Guidelines, 2015. Collection method: not provided. Allele origin: germline. Inheritance: Unknown mechanism. Affected: yes.

NM_015059.3(TLN2):c.6835G>A (p.Gly2279Ser)

Gene: TLN2 (talin 2; plus strand). Cytogenetic location: 15q22.2.
Variant type: single nucleotide variant.
Coding change: c.6835G>A on transcript NM_015059.3 (MANE Select); coding-DNA position 6835, G replaced by A.
Protein change: p.Gly2279Ser; replaces glycine 2279 with serine.
Molecular consequence: missense variant.
Genome position (GRCh38, 1-based): chr15:62,819,579, G>A. VCF-style: chr15-62819579-G-A. GRCh37 (hg19) VCF-style: chr15-63111778-G-A.
Other names: c.6835G>A, p.Gly2279Ser (NM_001394547.1); short protein forms G2279S.
Identifiers: ClinVar variation 779360 (VCV000779360.29), dbSNP rs138463845, ClinGen allele CA7600822.
Genomic context (GRCh38, chr15:62,819,579, plus strand): 5'-CTTCAGAAACCAACCCCAGAATTCAAGCAGCAGCTGGCCGCTTTCTCCAAGCGAGTCGCC[G>A]GCGCTGTGACAGAGCTCATCCAGGCGGCGGAAGCCATGAAAGGTAGGCTGGATTCTCACG-3'
Protein context (NP_055874.2, residues 2269-2289): QLAAFSKRVA[Gly2279Ser]AVTELIQAAE